The following is an entry in ClinVar:

ClinVar aggregate classification (germline): Benign (1 of 4 stars; one submission).

Conditions:
Familial adenomatous polyposis 1 (FAP1). Also called: POLYPOSIS, ADENOMATOUS INTESTINAL; FAMILIAL ADENOMATOUS POLYPOSIS 1, ATTENUATED. Identifiers: MedGen C2713442, MONDO:0021056, OMIM 175100. Disease mechanism: loss of function.

Submission:

Myriad Genetics, Inc.
Classification: Benign for Familial adenomatous polyposis 1. Last evaluated: 2024-03-18. Review status: criteria provided, single submitter. Criteria: Myriad Autosomal Dominant, Autosomal Recessive and X-Linked Classification Criteria (2023). Collection method: clinical testing. Allele origin: unknown.
Comment: This variant is considered benign. This variant is a silent/synonymous amino acid change and it is not expected to impact splicing.

NM_000038.6(APC):c.3411T>C (p.Asp1137=)

Gene: APC (APC regulator of Wnt signaling pathway; plus strand). Cytogenetic location: 5q22.2.
Variant type: single nucleotide variant.
Coding change: c.3411T>C on transcript NM_000038.6 (MANE Select); coding-DNA position 3411, T replaced by C.
Protein change: p.Asp1137=; no amino-acid change (aspartic acid 1137 retained).
Molecular consequence: synonymous variant. On other transcripts: non-coding transcript variant (2).
Genome position (GRCh38, 1-based): chr5:112,839,005, T>C. VCF-style: chr5-112839005-T-C. GRCh37 (hg19) VCF-style: chr5-112174702-T-C.
Other names: c.3411T>C, p.Asp1137= (NM_001127510.3, NM_001354895.2, NM_001407450.1); c.3357T>C, p.Asp1119= (NM_001127511.3); c.3465T>C, p.Asp1155= (NM_001354896.2, NM_001407447.1, NM_001407448.1 and 1 more transcripts); c.3441T>C, p.Asp1147= (NM_001354897.2); c.3336T>C, p.Asp1112= (NM_001354898.2); c.3327T>C, p.Asp1109= (NM_001354899.2); c.3288T>C, p.Asp1096= (NM_001354900.2); c.3234T>C, p.Asp1078= (NM_001354901.2, NM_001407453.1); and 11 more.
Identifiers: ClinVar variation 3148762 (VCV003148762.1), dbSNP rs2149891369, ClinGen allele CA445963810.